The following is an entry in ClinVar:

NM_206538.4(EMC10):c.554del (p.Val185fs)

Gene: EMC10 (ER membrane protein complex subunit 10; plus strand). Cytogenetic location: 19q13.33.
Variant type: Deletion.
Coding change: c.554del on transcript NM_206538.4 (MANE Select); coding-DNA position 554, one base deleted (T; older notation c.554delT).
Protein change: p.Val185fs; shifts the reading frame from valine 185.
Molecular consequence: frameshift variant.
Genome position (GRCh38, 1-based): chr19:50,480,732, T deleted. VCF-style (leftmost placement, unchanged base first): chr19-50480731-GT-G. GRCh37 (hg19) VCF-style: chr19-50983988-GT-G.
Other names: c.554del, p.Val185fs (NM_175063.6); short protein forms V185fs.
Identifiers: ClinVar variation 2585449 (VCV002585449.1), dbSNP rs2513795226, ClinGen allele CA2582342962.

ClinVar aggregate classification (germline): Likely pathogenic (1 of 4 stars; one submission).

Conditions:
Neurodevelopmental disorder with dysmorphic facies and variable seizures (NEDDFAS). Also called: EMC10-Related Neurodevelopmental Disorder. Identifiers: MedGen C5543268, MONDO:0031011, OMIM 619264.

Submission:

Neuberg Centre For Genomic Medicine, NCGM
Classification: Likely pathogenic for Neurodevelopmental disorder with dysmorphic facies and variable seizures. Review status: criteria provided, single submitter. Criteria: ACMG Guidelines, 2015. Collection method: clinical testing. Allele origin: germline. Inheritance: Autosomal recessive inheritance. Affected: yes.
Comment: The frameshift p.Val185GlyfsTer54 variant has previously not been reported as pathogenic or likely benign variant, as per our knowledge. This variant causes a frameshift starting with codon Valine 185, changes this amino acid to Glycine residue, and creates a premature Stop codon at position 54 of the new reading frame, denoted p.Val185GlyfsTer54. The p.Val185GlyfsTer54 variant is novel (not in any individuals) in gnomAD Exomes and 1000 Genomes. This variant is predicted to cause loss of normal protein function through protein truncation caused a frameshift mutation. Loss of function mutations are known to be disease causing in this gene. For these reasons, this variant has been classified as Likely Pathogenic.